The following is an entry in ClinVar:

NM_004562.3(PRKN):c.1192G>A (p.Ala398Thr)

Gene: PRKN (parkin RBR E3 ubiquitin protein ligase; minus strand). Cytogenetic location: 6q26.
Variant type: single nucleotide variant.
Coding change: c.1192G>A on transcript NM_004562.3 (MANE Select); coding-DNA position 1192, G replaced by A.
Protein change: p.Ala398Thr; replaces alanine 398 with threonine.
Molecular consequence: missense variant.
Genome position (GRCh38, 1-based): chr6:161,360,181, C>T on the plus strand (G>A on the coding strand, the complement: PRKN is on the minus strand). VCF-style: chr6-161360181-C-T. GRCh37 (hg19) VCF-style: chr6-161781213-C-T.
Other names: c.1108G>A, p.Ala370Thr (NM_013987.3); c.745G>A, p.Ala249Thr (NM_013988.3); short protein forms A398T, A370T, A249T.
Identifiers: ClinVar variation 1504940 (VCV001504940.6), dbSNP rs571092914, ClinGen allele CA4089985.

ClinVar aggregate classification (germline): Uncertain significance (1 of 4 stars; one submission).

Allele frequency attached by ClinVar (database versions not stated): gnomAD 0.00003; TOPMed 0.00003; 1000 Genomes Project 30x 0.00016; 1000 Genomes Project 0.00020.
gnomAD v4.1: 16 of 1,614,062 alleles (0.00099%); highest among the groups gnomAD compares: African/African-American, 0.0067%; no homozygotes.

Submission:

Labcorp Genetics (formerly Invitae), Labcorp
Classification: Uncertain significance. Last evaluated: 2022-07-06. Review status: criteria provided, single submitter. Criteria: Invitae Variant Classification Sherloc (09022015). Collection method: clinical testing. Allele origin: germline.
Comment: This sequence change replaces alanine, which is neutral and non-polar, with threonine, which is neutral and polar, at codon 398 of the PRKN protein (p.Ala398Thr). In summary, the available evidence is currently insufficient to determine the role of this variant in disease. Therefore, it has been classified as a Variant of Uncertain Significance. Experimental studies are conflicting or provide insufficient evidence to determine the effect of this variant on PRKN function (PMID: 23727886, 25939424). Algorithms developed to predict the effect of missense changes on protein structure and function are either unavailable or do not agree on the potential impact of this missense change (SIFT: "Tolerated"; PolyPhen-2: "Possibly Damaging"; Align-GVGD: "Class C0"). ClinVar contains an entry for this variant (Variation ID: 1504940). This missense change has been observed in individual(s) with early-onset parkinsonism (PMID: 12764050, 21625934). This variant is present in population databases (rs571092914, gnomAD 0.01%).

Literature cited by the submitters: PubMed 23727886; PubMed 25939424; PubMed 12764050; PubMed 21625934.